The following is an entry in ClinVar:

NM_022455.5(NSD1):c.5549C>T (p.Ala1850Val)

Gene: NSD1 (nuclear receptor binding SET domain protein 1; plus strand). Cytogenetic location: 5q35.3.
Variant type: single nucleotide variant.
Coding change: c.5549C>T on transcript NM_022455.5 (MANE Select); coding-DNA position 5549, C replaced by T.
Protein change: p.Ala1850Val; replaces alanine 1850 with valine.
Molecular consequence: missense variant.
Genome position (GRCh38, 1-based): chr5:177,273,711, C>T. VCF-style: chr5-177273711-C-T. GRCh37 (hg19) VCF-style: chr5-176700712-C-T.
Other names: c.4676C>T, p.Ala1559Val (NM_001365684.2, NM_001409308.1, NM_001409309.1 and 1 more transcripts); c.5549C>T, p.Ala1850Val (NM_001409301.1, NM_001409302.1, NM_001409303.1); c.5129C>T, p.Ala1710Val (NM_001409304.1); c.4796C>T, p.Ala1599Val (NM_001409305.1); c.4787C>T, p.Ala1596Val (NM_001409306.1, NM_001409307.1); short protein forms A1581V, A1850V, A1710V, A1559V, A1596V, A1599V.
Identifiers: ClinVar variation 1213787 (VCV001213787.6), dbSNP rs2127241862, ClinGen allele CA362308621.

ClinVar aggregate classification (germline): Uncertain significance. Review status: criteria provided, multiple submitters, no conflicts (2 of 4 stars). 4 submissions from 4 submitters: Uncertain significance (4). Last evaluated 2025-08-20.

Conditions:
Sotos syndrome (SOTOS). Also called: Distinctive facial appearance, overgrowth in childhood, and learning disabilities or delayed development; CHROMOSOME 5q35 DELETION SYNDROME; Sotos' syndrome; SOTOS SYNDROME 1; CEREBRAL GIGANTISM. Identifiers: Orphanet 821, MedGen C0175695, MONDO:0019349, OMIM 117550.
Inborn genetic diseases. Identifiers: MedGen C0950123, MeSH D030342.

Submissions (4):

Ambry Genetics
Classification: Uncertain significance for Inborn genetic diseases. Last evaluated: 2025-08-20. Review status: criteria provided, single submitter. Criteria: Ambry Variant Classification Scheme 2023. Collection method: clinical testing. Allele origin: germline.

Labcorp Genetics (formerly Invitae), Labcorp
Classification: Uncertain significance. Last evaluated: 2024-09-26. Review status: criteria provided, single submitter. Criteria: Invitae Variant Classification Sherloc (09022015). Collection method: clinical testing. Allele origin: germline.
Comment: This sequence change replaces alanine, which is neutral and non-polar, with valine, which is neutral and non-polar, at codon 1850 of the NSD1 protein (p.Ala1850Val). This variant is not present in population databases (gnomAD no frequency). This variant has not been reported in the literature in individuals affected with NSD1-related conditions. ClinVar contains an entry for this variant (Variation ID: 1213787). Invitae Evidence Modeling of protein sequence and biophysical properties (such as structural, functional, and spatial information, amino acid conservation, physicochemical variation, residue mobility, and thermodynamic stability) indicates that this missense variant is expected to disrupt NSD1 protein function with a positive predictive value of 95%. In summary, the available evidence is currently insufficient to determine the role of this variant in disease. Therefore, it has been classified as a Variant of Uncertain Significance.

Fulgent Genetics
Classification: Uncertain significance for Sotos syndrome. Last evaluated: 2022-05-07. Review status: criteria provided, single submitter. Criteria: ACMG Guidelines, 2015. Collection method: clinical testing. Allele origin: unknown.

New York Genome Center
Classification: Uncertain significance for Sotos syndrome. Last evaluated: 2020-09-19. Review status: criteria provided, single submitter. Criteria: NYGC Assertion Criteria 2020. Collection method: clinical testing. Allele origin: inherited. Observed: 1 variant allele, 1 heterozygote. Study: CSER-NYCKidSeq.
Comment: The inherited c.5549C>T (p.Ala1850Val) variant identified in the NSD1 gene substitutes a very well conserved Alanine for Valine at amino acid 1850/2697 (exon 17/23). This variant is absent from gnomAD suggesting it is not a common benign variant in the populations represented in that database. In silico algorithms predict this variant to be Damaging (SIFT; score:0.025) and Benign (REVEL; score:0.2119) to the function of the canonical transcript. This variant is absent from ClinVar and to our current knowledge has not been identified in affected individuals in the literature. Given the lack of compelling evidence for its pathogenicity, the inherited c.5549C>T (p.Ala1850Val) variant identified in the NSD1 gene is reported as a Variant of Uncertain Significance.